The following is an entry in ClinVar:

ClinVar aggregate classification (germline): Pathogenic (1 of 4 stars; one submission).

Submission:

Labcorp Genetics (formerly Invitae), Labcorp
Classification: Pathogenic. Last evaluated: 2022-09-13. Review status: criteria provided, single submitter. Criteria: Invitae Variant Classification Sherloc (09022015). Collection method: clinical testing. Allele origin: germline.
Comment: This sequence change creates a premature translational stop signal (p.His242Profs*4) in the XPA gene. While this is not anticipated to result in nonsense mediated decay, it is expected to disrupt the last 32 amino acid(s) of the XPA protein. This variant is not present in population databases (gnomAD no frequency). This variant has not been reported in the literature in individuals affected with XPA-related conditions. This variant disrupts a region of the XPA protein in which other variant(s) (p.Arg258Tyrfs*5) have been determined to be pathogenic (PMID: 31478152). This suggests that this is a clinically significant region of the protein, and that variants that disrupt it are likely to be disease-causing. For these reasons, this variant has been classified as Pathogenic.

Literature cited by the submitters: PubMed 31478152.

NM_000380.4(XPA):c.724dup (p.His242fs)

Gene: XPA (XPA, DNA damage recognition and repair factor; minus strand). Cytogenetic location: 9q22.33.
Variant type: Duplication.
Coding change: c.724dup on transcript NM_000380.4 (MANE Select); coding-DNA position 724, one base duplicated (C; older notation c.724dupC).
Protein change: p.His242fs; shifts the reading frame from histidine 242.
Molecular consequence: frameshift variant. On other transcripts: non-coding transcript variant (5).
Genome position (GRCh38, 1-based): chr9:97,675,537, G duplicated on the plus strand (C on the coding strand, the reverse complement: XPA is on the minus strand). VCF-style (leftmost placement, unchanged base first): chr9-97675536-T-TG. GRCh37 (hg19) VCF-style: chr9-100437818-T-TG.
Other names: c.598dup, p.His200fs (NM_001354975.2); short protein forms H200fs, H242fs.
Identifiers: ClinVar variation 2167717 (VCV002167717.1), dbSNP rs2490184877, ClinGen allele CA2580080767.